The following is an entry in ClinVar:

ClinVar aggregate classification (germline): Pathogenic. Review status: criteria provided, multiple submitters, no conflicts (2 of 4 stars). 5 submissions from 5 submitters: Pathogenic (5). Last evaluated 2025-06-24.

Conditions:
Neurofibromatosis, type 1 (NF1). Also called: Peripheral type neurofibromatosis; Neurofibromatosis, type I; VON RECKLINGHAUSEN DISEASE; NEUROFIBROMATOSIS, TYPE I, SOMATIC. Identifiers: Orphanet 636, MedGen C0027831, MONDO:0018975, OMIM 162200. Disease mechanism: loss of function.
Cardiovascular phenotype. Identifiers: MedGen CN230736.
Hereditary cancer-predisposing syndrome. Also called: Hereditary neoplastic syndrome; Tumor predisposition; Hereditary Cancer Syndrome; Neoplastic Syndromes, Hereditary. Identifiers: Orphanet 140162, MedGen C0027672, MeSH D009386, MONDO:0015356.
Café-au-lait macules with pulmonary stenosis (WTSN). Also called: PULMONIC STENOSIS WITH CAFE-AU-LAIT SPOTS. Identifiers: MedGen C0553586, MONDO:0008672, OMIM 193520.
Neurofibromatosis-Noonan syndrome (NFNS). Also called: NEUROFIBROMATOSIS WITH NOONAN PHENOTYPE. Identifiers: Orphanet 638, MedGen C2931482, MONDO:0011035, OMIM 601321. Disease mechanism: loss of function.
Neurofibromatosis, familial spinal (FSNF). Identifiers: Orphanet 636, MedGen C1834235, MONDO:0008078, OMIM 162210. Disease mechanism: loss of function.
Juvenile myelomonocytic leukemia (JMML). Also called: LEUKEMIA, JUVENILE MYELOMONOCYTIC, SOMATIC. Identifiers: Orphanet 86834, MedGen C0349639, MONDO:0011908, OMIM 607785, HP:0012209.

Submissions (5):

Labcorp Genetics (formerly Invitae), Labcorp
Classification: Pathogenic for Neurofibromatosis, type 1. Last evaluated: 2025-06-24. Review status: criteria provided, single submitter. Criteria: Invitae Variant Classification Sherloc (09022015). Collection method: clinical testing. Allele origin: germline.
Comment: This sequence change creates a premature translational stop signal (p.Gln756*) in the NF1 gene. It is expected to result in an absent or disrupted protein product. Loss-of-function variants in NF1 are known to be pathogenic (PMID: 10712197, 23913538). This variant is not present in population databases (gnomAD no frequency). This premature translational stop signal has been observed in individual(s) with neurofibromatosis type 1 (NF1) and NF1 (PMID: 21520333, 22207399, 30290804). It has also been observed to segregate with disease in related individuals. Invitae Evidence Modeling of clinical and family history, age, sex, and reported ancestry of multiple individuals with this NF1 variant has been performed. This variant is expected to be pathogenic with a positive predictive value of at least 99%. This is a validated machine learning model that incorporates the clinical features of 1,785,918 individuals referred to our laboratory for NF1 testing. ClinVar contains an entry for this variant (Variation ID: 576444). Algorithms developed to predict the effect of sequence changes on RNA splicing suggest that this variant may disrupt the consensus splice site. For these reasons, this variant has been classified as Pathogenic.

ARUP Laboratories, Molecular Genetics and Genomics, ARUP Laboratories
Classification: Pathogenic. Last evaluated: 2025-04-11. Review status: criteria provided, single submitter. Criteria: ARUP Molecular Germline Variant Investigation Process 2024. Collection method: clinical testing. Allele origin: germline.
Comment: The NF1 c.2266C>T; p.Gln756Ter variant (rs1567847905, ClinVar Variation ID: 576444), is reported in the literature in multiple individuals and families affected with neurofibromatosis type 1 (Assunto 2019, Giugliano 2019, Lv 2012). This variant is absent from the Genome Aggregation Database (v2.1.1), indicating it is not a common polymorphism. This variant induces an early termination codon and is predicted to result in a truncated protein or mRNA subject to nonsense-mediated decay. Based on available information, this variant is considered to be pathogenic. References: Assunto A et al. Isoform-specific NF1 mRNA levels correlate with disease severity in Neurofibromatosis type 1. Orphanet J Rare Dis. 2019 Nov 15;14(1):261. PMID: 31730495. Giugliano T et al. Clinical and Genetic Findings in Children with Neurofibromatosis Type 1, Legius Syndrome, and Other Related Neurocutaneous Disorders. Genes (Basel). 2019 Jul 31;10(8):580. PMID: 31370276 Lv M et al. Screening for mutation site on the type I neurofibromatosis gene in a family. Childs Nerv Syst. 2012 May;28(5):721-7. PMID: 22207399.

Ambry Genetics
Classification: Pathogenic for Cardiovascular phenotype; Hereditary cancer-predisposing syndrome. Last evaluated: 2023-12-01. Review status: criteria provided, single submitter. Criteria: Ambry Variant Classification Scheme 2023. Collection method: clinical testing. Allele origin: germline.
Comment: The p.Q756* pathogenic mutation (also known as c.2266C>T), located in coding exon 19 of the NF1 gene, results from a C to T substitution at nucleotide position 2266. This changes the amino acid from a glutamine to a stop codon within coding exon 19. This mutation has been detected in multiple unrelated individual with a clinical diagnosis or suspicion of neurofibromatosis type 1 (Lv M et al. Childs Nerv Syst, 2012 May;28:721-7; Wu-Chou YH et al. J Biomed Sci, 2018 Oct;25:72; Giugliano T et al. Genes (Basel), 2019 Jul;10:; Ambry internal data). This variant is considered to be rare based on population cohorts in the Genome Aggregation Database (gnomAD). This alteration is expected to result in loss of function by premature protein truncation or nonsense-mediated mRNA decay. As such, this alteration is interpreted as a disease-causing mutation.

Genome-Nilou Lab
Classification: Pathogenic for Neurofibromatosis, type 1. Last evaluated: 2022-03-15. Review status: criteria provided, single submitter. Criteria: ACMG Guidelines, 2015. Collection method: clinical testing. Allele origin: germline. Affected: no.

Fulgent Genetics
Classification: Pathogenic for Neurofibromatosis, type 1; Neurofibromatosis, familial spinal; Café-au-lait macules with pulmonary stenosis; Neurofibromatosis-Noonan syndrome; Juvenile myelomonocytic leukemia. Last evaluated: 2018-10-31. Review status: criteria provided, single submitter. Criteria: ACMG Guidelines, 2015. Collection method: clinical testing. Allele origin: unknown.

Literature cited by the submitters: PubMed 10712197 (cited by Labcorp Genetics (formerly Invitae), Labcorp); PubMed 23913538 (cited by Labcorp Genetics (formerly Invitae), Labcorp); PubMed 21520333 (cited by Labcorp Genetics (formerly Invitae), Labcorp); PubMed 22207399 (cited by Labcorp Genetics (formerly Invitae), Labcorp); PubMed 30290804 (cited by Labcorp Genetics (formerly Invitae), Labcorp).

NM_001042492.3(NF1):c.2266C>T (p.Gln756Ter)

Gene: NF1 (neurofibromin 1; plus strand). Cytogenetic location: 17q11.2.
Variant type: single nucleotide variant.
Coding change: c.2266C>T on transcript NM_001042492.3 (MANE Select); coding-DNA position 2266, C replaced by T.
Protein change: p.Gln756Ter; replaces glutamine 756 with a stop codon.
Molecular consequence: nonsense.
Genome position (GRCh38, 1-based): chr17:31,227,232, C>T. VCF-style: chr17-31227232-C-T. GRCh37 (hg19) VCF-style: chr17-29554250-C-T.
Other names: c.2266C>T, p.Gln756Ter (NM_000267.4); short protein forms Q756*.
Identifiers: ClinVar variation 576444 (VCV000576444.11), dbSNP rs1567847905, ClinGen allele CA398982714.